The following is an entry in ClinVar:

ClinVar aggregate classification (germline): Uncertain significance (1 of 4 stars; one submission).

Allele frequency attached by ClinVar (database versions not stated): gnomAD 0.00001; gnomAD exomes 0.00001.
gnomAD v4.1: 14 of 1,577,384 alleles (0.00089%); highest among the groups gnomAD compares: Non-Finnish European, 0.0012%; no homozygotes.

Submission:

Labcorp Genetics (formerly Invitae), Labcorp
Classification: Uncertain significance. Last evaluated: 2025-07-14. Review status: criteria provided, single submitter. Criteria: Invitae Variant Classification Sherloc (09022015). Collection method: clinical testing. Allele origin: germline.
Comment: This sequence change replaces tryptophan, which is neutral and slightly polar, with arginine, which is basic and polar, at codon 382 of the ZCCHC8 protein (p.Trp382Arg). This variant is present in population databases (no rsID available, gnomAD 0.007%). This variant has not been reported in the literature in individuals affected with ZCCHC8-related conditions. ClinVar contains an entry for this variant (Variation ID: 2958867). Invitae Evidence Modeling of protein sequence and biophysical properties (such as structural, functional, and spatial information, amino acid conservation, physicochemical variation, residue mobility, and thermodynamic stability) indicates that this missense variant is expected to disrupt ZCCHC8 protein function with a positive predictive value of 80%. In summary, the available evidence is currently insufficient to determine the role of this variant in disease. Therefore, it has been classified as a Variant of Uncertain Significance.

NM_017612.5(ZCCHC8):c.1144T>C (p.Trp382Arg)

Gene: ZCCHC8 (zinc finger CCHC-type containing 8; minus strand). Cytogenetic location: 12q24.31.
Variant type: single nucleotide variant.
Coding change: c.1144T>C on transcript NM_017612.5 (MANE Select); coding-DNA position 1144, T replaced by C.
Protein change: p.Trp382Arg; replaces tryptophan 382 with arginine.
Molecular consequence: missense variant.
Genome position (GRCh38, 1-based): chr12:122,478,289, A>G on the plus strand (T>C on the coding strand, the complement: ZCCHC8 is on the minus strand). VCF-style: chr12-122478289-A-G. GRCh37 (hg19) VCF-style: chr12-122962836-A-G.
Other names: c.913T>C, p.Trp305Arg (NM_001350935.2); c.847T>C, p.Trp283Arg (NM_001350936.2); c.430T>C, p.Trp144Arg (NM_001350937.2, NM_001350938.2); short protein forms W144R, W283R, W305R, W382R.
Identifiers: ClinVar variation 2958867 (VCV002958867.3), dbSNP rs1466127580, ClinGen allele CA387051176.